The following is an entry in ClinVar:

ClinVar aggregate classification (germline): Uncertain significance (1 of 4 stars; one submission).

Submission:

GeneDx
Classification: Uncertain significance. Last evaluated: 2026-03-30. Review status: criteria provided, single submitter. Criteria: GeneDx Variant Classification Process June 2021. Collection method: clinical testing. Allele origin: germline.
Comment: Not observed at significant frequency in large population cohorts (gnomAD); In silico analysis supports that this missense variant has a deleterious effect on protein structure/function; Has not been previously published as pathogenic or benign to our knowledge

NM_004046.6(ATP5F1A):c.857A>T (p.Gln286Leu)

Gene: ATP5F1A (ATP synthase F1 subunit alpha; minus strand). Cytogenetic location: 18q21.1.
Variant type: single nucleotide variant.
Coding change: c.857A>T on transcript NM_004046.6 (MANE Select); coding-DNA position 857, A replaced by T.
Protein change: p.Gln286Leu; replaces glutamine 286 with leucine.
Molecular consequence: missense variant.
Genome position (GRCh38, 1-based): chr18:46,087,435, T>A on the plus strand (A>T on the coding strand, the complement: ATP5F1A is on the minus strand). VCF-style: chr18-46087435-T-A. GRCh37 (hg19) VCF-style: chr18-43667401-T-A.
Other names: c.707A>T, p.Gln236Leu (NM_001001935.3, NM_001257335.2); c.857A>T, p.Gln286Leu (NM_001001937.2); c.791A>T, p.Gln264Leu (NM_001257334.2); short protein forms Q236L, Q264L, Q286L.
Identifiers: ClinVar variation 5017974 (VCV005017974.1).